The following is an entry in ClinVar:

NM_001042492.3(NF1):c.7063-17A>G

Gene: NF1 (neurofibromin 1; plus strand). Cytogenetic location: 17q11.2.
Variant type: single nucleotide variant.
Coding change: c.7063-17A>G on transcript NM_001042492.3 (MANE Select); 17 bases into the intron before coding-DNA position 7063, A replaced by G.
Molecular consequence: intron variant.
Genome position (GRCh38, 1-based): chr17:31,342,992, A>G. VCF-style: chr17-31342992-A-G. GRCh37 (hg19) VCF-style: chr17-29670010-A-G.
Other names: c.7000-17A>G (NM_000267.4).
Identifiers: ClinVar variation 1585911 (VCV001585911.9), dbSNP rs2069864123, ClinGen allele CA2255605035.
Genomic context (GRCh38, chr17:31,342,992, plus strand): 5'-GAACACAAAATTAAGTGAGCCTTTAAAGAAAGCTACTGTGTGAACCTCATCAACCATCTC[A>G]TGATTATCTTTAATAGAGTCCAGAGGAAGTATTTATGGCAATCCGGAATCCTCTGGAGTG-3'

ClinVar aggregate classification (germline): Likely benign. Review status: criteria provided, multiple submitters, no conflicts (2 of 4 stars). 2 submissions from 2 submitters: Likely benign (2). Last evaluated 2026-05-13.

Conditions:
Neurofibromatosis, type 1 (NF1). Also called: VON RECKLINGHAUSEN DISEASE; Neurofibromatosis, type I; NEUROFIBROMATOSIS, TYPE I, SOMATIC; Peripheral type neurofibromatosis. Identifiers: Orphanet 636, MedGen C0027831, MONDO:0018975, OMIM 162200. Disease mechanism: loss of function.

Allele frequency attached by ClinVar (database versions not stated): gnomAD exomes below 0.00001; TOPMed 0.00001.
gnomAD v4.1: 2 of 1,609,768 alleles (0.00012%); highest among the groups gnomAD compares: Admixed American, 0.0017%; no homozygotes.

Submissions (2):

Myriad Genetics, Inc.
Classification: Likely benign for Neurofibromatosis, type 1. Last evaluated: 2026-05-13. Review status: criteria provided, single submitter. Criteria: Myriad Autosomal Dominant, Autosomal Recessive and X-Linked Classification Criteria (2023). Collection method: clinical testing. Allele origin: unknown.
Comment: This variant is considered likely benign. This variant is intronic and is not expected to impact mRNA splicing.

Labcorp Genetics (formerly Invitae), Labcorp
Classification: Likely benign for Neurofibromatosis, type 1. Last evaluated: 2025-07-31. Review status: criteria provided, single submitter. Criteria: Invitae Variant Classification Sherloc (09022015). Collection method: clinical testing. Allele origin: germline.